The following is an entry in ClinVar:

NM_000263.4(NAGLU):c.884T>G (p.Phe295Cys)

Gene: NAGLU (N-acetyl-alpha-glucosaminidase; plus strand). Cytogenetic location: 17q21.2.
Variant type: single nucleotide variant.
Coding change: c.884T>G on transcript NM_000263.4 (MANE Select); coding-DNA position 884, T replaced by G.
Protein change: p.Phe295Cys; replaces phenylalanine 295 with cysteine.
Molecular consequence: missense variant.
Genome position (GRCh38, 1-based): chr17:42,541,069, T>G. VCF-style: chr17-42541069-T-G. GRCh37 (hg19) VCF-style: chr17-40693087-T-G.
Other names: short protein forms F295C.
Identifiers: ClinVar variation 2023455 (VCV002023455.4), dbSNP rs2510656472, ClinGen allele CA399600136.

ClinVar aggregate classification (germline): Uncertain significance (1 of 4 stars; one submission).

Conditions:
Mucopolysaccharidosis, MPS-III-B (MPS3B). Also called: N-ACETYL-ALPHA-D-GLUCOSAMINIDASE DEFICIENCY; NAGLU DEFICIENCY; SANFILIPPO SYNDROME B; MPS III B; Mucopolysaccharidosis type IIIB (Sanfilippo B); MPS IIIB (Sanfilippo Syndrome Type B). Identifiers: Orphanet 79270, MedGen C0086648, MONDO:0009656, OMIM 252920.
Charcot-Marie-Tooth disease axonal type 2V. Also called: CHARCOT-MARIE-TOOTH NEUROPATHY, TYPE 2V; CHARCOT-MARIE-TOOTH DISEASE, AXONAL, AUTOSOMAL DOMINANT, TYPE 2V. Identifiers: Orphanet 447964, MedGen C5569050, MONDO:0014665, OMIM 616491.

Submission:

Labcorp Genetics (formerly Invitae), Labcorp
Classification: Uncertain significance for Charcot-Marie-Tooth disease axonal type 2V; Mucopolysaccharidosis, MPS-III-B. Last evaluated: 2023-07-03. Review status: criteria provided, single submitter. Criteria: Invitae Variant Classification Sherloc (09022015). Collection method: clinical testing. Allele origin: germline.
Comment: This variant has not been reported in the literature in individuals affected with NAGLU-related conditions. In summary, the available evidence is currently insufficient to determine the role of this variant in disease. Therefore, it has been classified as a Variant of Uncertain Significance. Advanced modeling of protein sequence and biophysical properties (such as structural, functional, and spatial information, amino acid conservation, physicochemical variation, residue mobility, and thermodynamic stability) performed at Invitae indicates that this missense variant is expected to disrupt NAGLU protein function. ClinVar contains an entry for this variant (Variation ID: 2023455). This variant is not present in population databases (gnomAD no frequency). This sequence change replaces phenylalanine, which is neutral and non-polar, with cysteine, which is neutral and slightly polar, at codon 295 of the NAGLU protein (p.Phe295Cys).